The following is an entry in ClinVar:

ClinVar aggregate classification (germline): Uncertain significance. Review status: criteria provided, multiple submitters, no conflicts (2 of 4 stars). 2 submissions from 2 submitters: Uncertain significance (2). Last evaluated 2026-05-18.

Submissions (2):

GeneDx
Classification: Uncertain significance. Last evaluated: 2026-05-18. Review status: criteria provided, single submitter. Criteria: GeneDx Variant Classification Process June 2021. Collection method: clinical testing. Allele origin: germline.
Comment: Not observed at significant frequency in large population cohorts (gnomAD); In silico analysis suggests that this missense variant does not alter protein structure/function; Has not been previously published as pathogenic or benign to our knowledge

Ambry Genetics
Classification: Uncertain significance. Last evaluated: 2023-07-11. Review status: criteria provided, single submitter. Criteria: Ambry Variant Classification Scheme 2023. Collection method: clinical testing. Allele origin: germline.

NM_017588.3(WDR5):c.107C>T (p.Ala36Val)

Gene: WDR5 (WD repeat domain 5; plus strand). Cytogenetic location: 9q34.2.
Variant type: single nucleotide variant.
Coding change: c.107C>T on transcript NM_017588.3 (MANE Select); coding-DNA position 107, C replaced by T.
Protein change: p.Ala36Val; replaces alanine 36 with valine.
Molecular consequence: missense variant.
Genome position (GRCh38, 1-based): chr9:134,140,728, C>T. VCF-style: chr9-134140728-C-T. GRCh37 (hg19) VCF-style: chr9-137005850-C-T.
Other names: c.107C>T, p.Ala36Val (NM_001384409.1, NM_001384410.1, NM_001384411.1 and 9 more transcripts); c.107C>T (NM_052821.3); short protein forms A36V.
Identifiers: ClinVar variation 2610695 (VCV002610695.4), dbSNP rs2539668147, ClinGen allele CA375448669.